The following is an entry in ClinVar:

ClinVar aggregate classification (germline): Benign/Likely benign. Review status: criteria provided, multiple submitters, no conflicts (2 of 4 stars). 4 submissions from 4 submitters: Benign (1); Likely benign (1). 2 of the submissions do not count toward it. Last evaluated 2026-01-17.

Allele frequency attached by ClinVar (database versions not stated): gnomAD 0.00246 and 0.00240; gnomAD exomes 0.00273; ESP Exome Variant Server 0.00277; ExAC 0.00297; 1000 Genomes Project 30x 0.00094; 1000 Genomes Project 0.00120; TOPMed 0.00221.
gnomAD v4.1: 5,619 of 1,614,176 alleles (0.35%); highest among the groups gnomAD compares: Non-Finnish European, 0.42%; 17 homozygotes.

Submissions (4):

Labcorp Genetics (formerly Invitae), Labcorp
Classification: Likely benign. Last evaluated: 2026-01-17. Review status: criteria provided, single submitter. Criteria: Invitae Variant Classification Sherloc (09022015). Collection method: clinical testing. Allele origin: germline.

Mayo Clinic Laboratories, Mayo Clinic
Classification: Benign. Last evaluated: 2025-07-10. Review status: criteria provided, single submitter. Criteria: ACMG Guidelines, 2015. Collection method: clinical testing. Allele origin: germline. Observed: 3 variant alleles.
Comment: BS1, BS2, BP4_moderate

Clinical Genetics DNA and cytogenetics Diagnostics Lab, Erasmus MC, Erasmus Medical Center
Classification: Likely benign. Review status: no assertion criteria provided. Collection method: clinical testing. Allele origin: germline. Affected: yes. Study: VKGL Data-share Consensus. Not counted in ClinVar's aggregate classification.

Genome Diagnostics Laboratory, University Medical Center Utrecht
Classification: Likely benign. Review status: no assertion criteria provided. Collection method: clinical testing. Allele origin: germline. Affected: yes. Study: VKGL Data-share Consensus. Not counted in ClinVar's aggregate classification.

NM_015650.4(TRAF3IP1):c.1199A>C (p.Asp400Ala)

Gene: TRAF3IP1 (TRAF3 interacting protein 1; plus strand). Cytogenetic location: 2q37.3.
Variant type: single nucleotide variant.
Coding change: c.1199A>C on transcript NM_015650.4 (MANE Select); coding-DNA position 1199, A replaced by C.
Protein change: p.Asp400Ala; replaces aspartic acid 400 with alanine.
Molecular consequence: missense variant. On other transcripts: intron variant (1).
Genome position (GRCh38, 1-based): chr2:238,344,536, A>C. VCF-style: chr2-238344536-A-C. GRCh37 (hg19) VCF-style: chr2-239253177-A-C.
Other names: p.Asp400Ala; c.1064-2919A>C (NM_001139490.1); short protein forms D400A.
Identifiers: ClinVar variation 717830 (VCV000717830.13), dbSNP rs61756349, ClinGen allele CA2198315.